The following is an entry in ClinVar:

NM_001194998.2(CEP152):c.2967A>G (p.Lys989=)

Gene: CEP152 (centrosomal protein 152; minus strand). Cytogenetic location: 15q21.1.
Variant type: single nucleotide variant.
Coding change: c.2967A>G on transcript NM_001194998.2 (MANE Select); coding-DNA position 2967, A replaced by G.
Protein change: p.Lys989=; no amino-acid change (lysine 989 retained).
Molecular consequence: synonymous variant.
Genome position (GRCh38, 1-based): chr15:48,756,281, T>C on the plus strand (A>G on the coding strand, the complement: CEP152 is on the minus strand). VCF-style: chr15-48756281-T-C. GRCh37 (hg19) VCF-style: chr15-49048478-T-C.
Other names: c.2967A>G, p.Lys989= (NM_014985.4).
Identifiers: ClinVar variation 2645320 (VCV002645320.24), dbSNP rs375232696, ClinGen allele CA7548437.

ClinVar aggregate classification (germline): Likely benign (1 of 4 stars; one submission).

Allele frequency attached by ClinVar (database versions not stated): TOPMed below 0.00001; ExAC 0.00001; gnomAD 0.00001; ESP Exome Variant Server 0.00008.
gnomAD v4.1: 1 of 1,580,648 alleles (0.000063%); highest among the groups gnomAD compares: Non-Finnish European, 0.000086%; no homozygotes.

Submission:

CeGaT Center for Human Genetics Tuebingen
Classification: Likely benign. Last evaluated: 2022-03-01. Review status: criteria provided, single submitter. Criteria: CeGaT Center For Human Genetics Tuebingen Variant Classification Criteria Version 2. Collection method: clinical testing. Allele origin: germline. Affected: yes. Observed: 1 variant allele.
Comment: CEP152: BP4, BP7